The following is an entry in ClinVar:

ClinVar aggregate classification (germline): Uncertain significance (1 of 4 stars; one submission).

Conditions:
BAP1-related tumor predisposition syndrome (TPDS1). Also called: Tumor susceptibility linked to germline BAP1 mutations; BAP1 tumor predisposition syndrome; COMMON Syndrome; TUMOR PREDISPOSITION SYNDROME 1. Identifiers: Orphanet 289539, MedGen C3280492, MONDO:0013692, OMIM 614327.

Submission:

Labcorp Genetics (formerly Invitae), Labcorp
Classification: Uncertain significance for BAP1-related tumor predisposition syndrome. Last evaluated: 2024-01-12. Review status: criteria provided, single submitter. Criteria: Invitae Variant Classification Sherloc (09022015). Collection method: clinical testing. Allele origin: germline.
Comment: This sequence change falls in intron 3 of the BAP1 gene. It does not directly change the encoded amino acid sequence of the BAP1 protein. This variant is not present in population databases (gnomAD no frequency). This variant has not been reported in the literature in individuals affected with BAP1-related conditions. Algorithms developed to predict the effect of sequence changes on RNA splicing suggest that this variant may disrupt the consensus splice site. In summary, the available evidence is currently insufficient to determine the role of this variant in disease. Therefore, it has been classified as a Variant of Uncertain Significance.

NM_004656.4(BAP1):c.123-19_123-7del

Gene: BAP1 (BRCA1 associated deubiquitinase 1; minus strand). Cytogenetic location: 3p21.1.
Variant type: Deletion.
Coding change: c.123-19_123-7del on transcript NM_004656.4 (MANE Select); 19 bases into the intron before coding-DNA position 123 through 7 bases into the intron before coding-DNA position 123, 13 bases deleted (TGCCCCTTACTTC).
Molecular consequence: intron variant.
Genome position (GRCh38, 1-based): chr3:52,408,613-52,408,625, GAAGTAAGGGGCA deleted on the plus strand (TGCCCCTTACTTC on the coding strand, the reverse complement: BAP1 is on the minus strand); deleting any 13 consecutive bases within chr3:52,408,613-52,408,627 gives the same sequence; the c. name uses the placement nearest the transcript's 3' end. VCF-style (leftmost placement, unchanged base first): chr3-52408612-GGAAGTAAGGGGCA-G. GRCh37 (hg19) VCF-style: chr3-52442628-GGAAGTAAGGGGCA-G.
Other names: c.123-19_123-7del (NM_001410772.1).
Identifiers: ClinVar variation 2879356 (VCV002879356.3), dbSNP rs1705241726, ClinGen allele CA1364844977.